The following is an entry in ClinVar:

ClinVar aggregate classification (germline): Pathogenic/Likely pathogenic. Review status: criteria provided, multiple submitters, no conflicts (2 of 4 stars). 3 submissions from 3 submitters: Pathogenic (2); Likely pathogenic (1). Last evaluated 2026-03-09.

Conditions:
Dermatitis, atopic, 2. Identifiers: MedGen C1853965, MONDO:0011596, OMIM 605803.

Submissions (3):

Dasa
Classification: Likely pathogenic. Last evaluated: 2026-03-09. Review status: criteria provided, single submitter. Criteria: DASA Assertion Criteria. Collection method: clinical testing. Allele origin: germline.
Comment: NM_002016.2(FLG):c.9999G>A (p.Trp3333*) is a nonsense variant in FLG predicted to introduce a premature termination codon and is predicted to result in an absent or altered protein product. Loss of function is an established disease mechanism for FLG (PMID: 16444271; PMID: 27793761; PMID: 27667308). Also, this variant is rare in population databases. Based on the currently available evidence, this variant is classified as likely pathogenic.

Genomic Medicine Center of Excellence, King Faisal Specialist Hospital and Research Centre
Classification: Pathogenic for Dermatitis, atopic, 2. Last evaluated: 2025-09-10. Review status: criteria provided, single submitter. Criteria: ACMG Guidelines, 2015. Collection method: clinical testing. Allele origin: germline.

GeneDx
Classification: Pathogenic. Last evaluated: 2024-08-30. Review status: criteria provided, single submitter. Criteria: GeneDx Variant Classification Process June 2021. Collection method: clinical testing. Allele origin: germline. Affected: yes.
Comment: Nonsense variant predicted to result in protein truncation, as the last 729 amino acids are lost, and other loss-of-function variants have been reported downstream in HGMD; Has not been previously published as pathogenic or benign to our knowledge; This variant is associated with the following publications: (PMID: 16444271)

Literature cited by the submitters: PubMed 16444271 (cited by Dasa); PubMed 27793761 (cited by Dasa); PubMed 27667308 (cited by Dasa).

NM_002016.2(FLG):c.9999G>A (p.Trp3333Ter)

Genes: CCDST (cervical cancer associated DHX9 suppressive transcript; plus strand), FLG (filaggrin; minus strand). Cytogenetic location: 1q21.3.
Variant type: single nucleotide variant.
Coding change: c.9999G>A on transcript NM_002016.2 (MANE Select); coding-DNA position 9999, G replaced by A.
Protein change: p.Trp3333Ter; replaces tryptophan 3333 with a stop codon.
Molecular consequence: nonsense.
Genome position (GRCh38, 1-based): chr1:152,304,887, C>T on the plus strand (G>A on the coding strand, the complement: FLG is on the minus strand). VCF-style: chr1-152304887-C-T. GRCh37 (hg19) VCF-style: chr1-152277363-C-T.
Other names: short protein forms W3333*.
Identifiers: ClinVar variation 3767602 (VCV003767602.4).
Genomic context (GRCh38, chr1:152,304,887, plus strand): 5'-CTGTGTGTCTGACTCTTCTGAATGTCCCTCACTATCACTGGCCTGACTACCACTGGACCC[C>T]CAGTGTCTACTGTCTCTGACTGCAGATGAAGCTTGTCCACGCGGAATGCCTGAGTGTCTG-3'